The following is an entry in ClinVar:

NM_033380.3(COL4A5):c.4852C>T (p.Gln1618Ter)

Gene: COL4A5 (collagen type IV alpha 5 chain; plus strand). Cytogenetic location: Xq22.3.
Variant type: single nucleotide variant.
Coding change: c.4852C>T on transcript NM_033380.3 (MANE Select); coding-DNA position 4852, C replaced by T.
Protein change: p.Gln1618Ter; replaces glutamine 1618 with a stop codon.
Molecular consequence: nonsense.
Genome position (GRCh38, 1-based): chrX:108,695,297, C>T. VCF-style: chrX-108695297-C-T. GRCh37 (hg19) VCF-style: chrX-107938527-C-T.
Other names: c.4834C>T, p.Gln1612Ter (NM_000495.5); short protein forms Q1612*, Q1618*.
Identifiers: ClinVar variation 4532145 (VCV004532145.1).

ClinVar aggregate classification (germline): Pathogenic (1 of 4 stars; one submission).

Conditions:
X-linked Alport syndrome (ATS1). Also called: NEPHROPATHY AND DEAFNESS, X-LINKED; COL4A5-Related Nephropathy. Identifiers: Orphanet 63, Orphanet 88917, MedGen C4746986, MONDO:0010520, OMIM 301050.

Submission:

Victorian Clinical Genetics Services, Murdoch Childrens Research Institute
Classification: Pathogenic for X-linked Alport syndrome. Last evaluated: 2025-01-13. Review status: criteria provided, single submitter. Criteria: ACMG Guidelines, 2015. Collection method: clinical testing. Allele origin: germline. Affected: yes.
Comment: This variant is classified as Pathogenic. Evidence in support of pathogenic classification: Variant is predicted to cause nonsense-mediated decay (NMD) and loss of protein (premature termination codon is located at least 54 nucleotides upstream of the final exon-exon junction); Variant is absent from gnomAD (v2, v3 and v4); Other NMD-predicted variant(s) comparable to the one identified in this case have very strong previous evidence for pathogenicity (DECIPHER). Additional information: This variant is heterozygous; This gene is associated with X-linked dominant disease. Males are typically more severely affected than females (PMID: 19965530). - This variant has no previous evidence of pathogenicity; No published segregation evidence has been identified for this variant; No published functional evidence has been identified for this variant; Dominant negative and loss of function are known mechanisms of disease in this gene and are associated with X-linked Alport syndrome 1 (MIM#301050). Dominant negative is caused mostly by glycine substitutions that affect the conformation of the protein, and loss of function can be caused by either protein truncating or missense variants (PMID: 24046192, 12028435); Variants in this gene are known to have variable expressivity. There is intrafamilial variability among affected carrier females, possibly due to variable X-inactivation (PMID: 14514738); Inheritance information for this variant is not currently available in this individual.

Literature cited by the submitters: PubMed 19965530; PubMed 24046192; PubMed 12028435; PubMed 14514738.